The following is an entry in ClinVar:

NM_003839.4(TNFRSF11A):c.137G>A (p.Cys46Tyr)

Gene: TNFRSF11A (TNF receptor superfamily member 11a; plus strand). Cytogenetic location: 18q21.33.
Variant type: single nucleotide variant.
Coding change: c.137G>A on transcript NM_003839.4 (MANE Select); coding-DNA position 137, G replaced by A.
Protein change: p.Cys46Tyr; replaces cysteine 46 with tyrosine.
Molecular consequence: missense variant.
Genome position (GRCh38, 1-based): chr18:62,348,229, G>A. VCF-style: chr18-62348229-G-A. GRCh37 (hg19) VCF-style: chr18-60015462-G-A.
Other names: c.137G>A, p.Cys46Tyr (NM_001270949.2, NM_001270950.2, NM_001270951.2 and 1 more transcripts); short protein forms C46Y.
Identifiers: ClinVar variation 2118865 (VCV002118865.4), dbSNP rs2513285218, ClinGen allele CA402609947.

ClinVar aggregate classification (germline): Uncertain significance (1 of 4 stars; one submission).

gnomAD v4.1: 1 of 1,614,138 alleles (0.000062%); no homozygotes.

Submission:

Labcorp Genetics (formerly Invitae), Labcorp
Classification: Uncertain significance. Last evaluated: 2022-03-28. Review status: criteria provided, single submitter. Criteria: Invitae Variant Classification Sherloc (09022015). Collection method: clinical testing. Allele origin: germline.
Comment: This variant is not present in population databases (gnomAD no frequency). This sequence change replaces cysteine, which is neutral and slightly polar, with tyrosine, which is neutral and polar, at codon 46 of the TNFRSF11A protein (p.Cys46Tyr). This variant has not been reported in the literature in individuals affected with TNFRSF11A-related conditions. Algorithms developed to predict the effect of missense changes on protein structure and function (SIFT, PolyPhen-2, Align-GVGD) all suggest that this variant is likely to be disruptive. In summary, the available evidence is currently insufficient to determine the role of this variant in disease. Therefore, it has been classified as a Variant of Uncertain Significance.